The following is an entry in ClinVar:

NM_139318.5(KCNH5):c.2765A>G (p.Gln922Arg)

Gene: KCNH5 (potassium voltage-gated channel subfamily H member 5; minus strand). Cytogenetic location: 14q23.2.
Variant type: single nucleotide variant.
Coding change: c.2765A>G on transcript NM_139318.5 (MANE Select); coding-DNA position 2765, A replaced by G.
Protein change: p.Gln922Arg; replaces glutamine 922 with arginine.
Molecular consequence: missense variant. On other transcripts: 3 prime UTR variant (1).
Genome position (GRCh38, 1-based): chr14:62,707,710, T>C on the plus strand (A>G on the coding strand, the complement: KCNH5 is on the minus strand). VCF-style: chr14-62707710-T-C. GRCh37 (hg19) VCF-style: chr14-63174428-T-C.
Other names: c.*732A>G (NM_172375.3); short protein forms Q922R.
Identifiers: ClinVar variation 4706955 (VCV004706955.1).

ClinVar aggregate classification (germline): Uncertain significance (1 of 4 stars; one submission).

Conditions:
Early-infantile DEE. Also called: Early infantile epileptic encephalopathy; Ohtahara syndrome; Early infantile epileptic encephalopathy with suppression bursts. Identifiers: Orphanet 1934, MedGen C0393706, MONDO:0800491.

gnomAD v4.1: 27 of 1,603,652 alleles (0.0017%); highest among the groups gnomAD compares: Non-Finnish European, 0.0022%; no homozygotes.

Submission:

Labcorp Genetics (formerly Invitae), Labcorp
Classification: Uncertain significance for Early-infantile DEE. Last evaluated: 2025-10-16. Review status: criteria provided, single submitter. Criteria: Invitae Variant Classification Sherloc (09022015). Collection method: clinical testing. Allele origin: germline.
Comment: This sequence change replaces glutamine, which is neutral and polar, with arginine, which is basic and polar, at codon 922 of the KCNH5 protein (p.Gln922Arg). This variant is present in population databases (rs768379844, gnomAD 0.002%). This variant has not been reported in the literature in individuals affected with KCNH5-related conditions. Invitae Evidence Modeling of protein sequence and biophysical properties (such as structural, functional, and spatial information, amino acid conservation, physicochemical variation, residue mobility, and thermodynamic stability) indicates that this missense variant is not expected to disrupt KCNH5 protein function with a negative predictive value of 95%. In summary, the available evidence is currently insufficient to determine the role of this variant in disease. Therefore, it has been classified as a Variant of Uncertain Significance.